The following is an entry in ClinVar:

ClinVar aggregate classification (germline): Likely benign (1 of 4 stars; one submission).

Conditions:
CLRN1-related disorder. Also called: CLRN1-related condition.

gnomAD v4.1: 2 of 201,136 alleles (0.00099%); highest among the groups gnomAD compares: South Asian, 0.014%; no homozygotes.

Submission:

PreventionGenetics, part of Exact Sciences
Classification: Likely benign for CLRN1-related condition. Last evaluated: 2026-09-13. Review status: criteria provided, single submitter. Criteria: ACMG Guidelines, 2015. Collection method: clinical testing. Allele origin: germline.
Comment: This variant is classified as likely benign based on ACMG/AMP sequence variant interpretation guidelines (Richards et al. 2015 PMID: 25741868, with internal and published modifications).

NM_174878.3(CLRN1):c.254-654T>A

Gene: CLRN1 (clarin 1; minus strand). Cytogenetic location: 3q25.1.
Variant type: single nucleotide variant.
Coding change: c.254-654T>A on transcript NM_174878.3 (MANE Select); 654 bases into the intron before coding-DNA position 254, T replaced by A.
Molecular consequence: intron variant.
Genome position (GRCh38, 1-based): chr3:150,942,415, A>T on the plus strand (T>A on the coding strand, the complement: CLRN1 is on the minus strand). VCF-style: chr3-150942415-A-T. GRCh37 (hg19) VCF-style: chr3-150660202-A-T.
Other names: c.26-654T>A (NM_052995.2); c.254-654T>A (NM_001195794.1); c.426-654T>A (NM_001256819.2).
Identifiers: ClinVar variation 4977028 (VCV004977028.1).
Genomic context (GRCh38, chr3:150,942,415, plus strand): 5'-TAGATTTTGTGTTCAGGGCAAGTTTTTCTTGTTTGCAGAGAAAGCGAAACCCTACATTTT[A>T]GGGCTTCTTTCATCTGGTGAGGCATCAGCATGCTTGGCATCAGCAAATCTGGCAGGACCA-3'